The following is an entry in ClinVar:

ClinVar aggregate classification (germline): Likely benign (1 of 4 stars; one submission).

gnomAD v4.1: 133 of 1,614,020 alleles (0.0082%); highest among the groups gnomAD compares: East Asian, 0.22%; no homozygotes.

Submission:

CeGaT Center for Human Genetics Tuebingen
Classification: Likely benign. Last evaluated: 2026-03-01. Review status: criteria provided, single submitter. Criteria: CeGaT Center For Human Genetics Tuebingen Variant Classification Criteria Version 2. Collection method: clinical testing. Allele origin: germline. Affected: yes. Observed: 1 variant allele.
Comment: TAF6: BP4, BP7

NM_139315.3(TAF6):c.1761C>T (p.Thr587=)

Genes: AP4M1 (adaptor related protein complex 4 subunit mu 1; plus strand), TAF6 (TATA-box binding protein associated factor 6; minus strand). Cytogenetic location: 7q22.1.
Variant type: single nucleotide variant.
Coding change: c.1761C>T on transcript NM_139315.3 (MANE Select); coding-DNA position 1761, C replaced by T.
Protein change: p.Thr587=; no amino-acid change (threonine 587 retained).
Molecular consequence: synonymous variant. On other transcripts: non-coding transcript variant (2), 3 prime UTR variant (11).
Genome position (GRCh38, 1-based): chr7:100,107,519, G>A on the plus strand (C>T on the coding strand, the complement: TAF6 is on the minus strand). VCF-style: chr7-100107519-G-A. GRCh37 (hg19) VCF-style: chr7-99705142-G-A.
Other names: c.1872C>T, p.Thr624= (NM_001190415.2); c.1761C>T, p.Thr587= (NM_001364998.1, NM_001364999.1, NM_005641.4); c.1731C>T, p.Thr577= (NM_001365000.1, NM_001365001.1, NM_001365002.1 and 1 more transcripts); c.1899C>T, p.Thr633= (NM_001365004.1); c.*637G>A (NM_001363671.2, NM_001438824.1, NM_001438825.1 and 8 more transcripts).
Identifiers: ClinVar variation 4820704 (VCV004820704.4).